The following is an entry in ClinVar:

NM_000138.5(FBN1):c.2734G>C (p.Asp912His)

Gene: FBN1 (fibrillin 1; minus strand). Cytogenetic location: 15q21.1.
Variant type: single nucleotide variant.
Coding change: c.2734G>C on transcript NM_000138.5 (MANE Select); coding-DNA position 2734, G replaced by C.
Protein change: p.Asp912His; replaces aspartic acid 912 with histidine.
Molecular consequence: missense variant.
Genome position (GRCh38, 1-based): chr15:48,492,581, C>G on the plus strand (G>C on the coding strand, the complement: FBN1 is on the minus strand). VCF-style: chr15-48492581-C-G. GRCh37 (hg19) VCF-style: chr15-48784778-C-G.
Other names: c.2734G>C, p.Asp912His (NM_001406716.1); short protein forms D912H.
Identifiers: ClinVar variation 3074011 (VCV003074011.1), dbSNP rs2505564827, ClinGen allele CA392330901.

ClinVar aggregate classification (germline): Uncertain significance (1 of 4 stars; one submission).

Conditions:
Marfan syndrome (MFS). Also called: MARFAN SYNDROME, TYPE I; Marfan syndrome type 1; Marfan's syndrome; Marfan syndrome, classic; FBN1-Related Marfan Syndrome. Identifiers: Orphanet 284963, Orphanet 558, MedGen C0024796, MONDO:0007947, OMIM 154700.

Submission:

All of Us Research Program, National Institutes of Health
Classification: Uncertain significance for Marfan syndrome. Last evaluated: 2023-11-30. Review status: criteria provided, single submitter. Criteria: ACMG Guidelines, 2015. Collection method: clinical testing. Allele origin: germline. Inheritance: Autosomal dominant inheritance. Observed: 1 variant allele, 1 heterozygote.
Comment: This study involves interpretation of variants in research participants for the purpose of population health screening. Participant phenotype was not available at the time of variant classification. Additional details can be found in publication PMID: 35346344, PMCID: PMC8962531